The following is an entry in ClinVar:

NM_004736.4(XPR1):c.1669-11T>G

Gene: XPR1 (xenotropic and polytropic retrovirus receptor 1; plus strand). Cytogenetic location: 1q25.3.
Variant type: single nucleotide variant.
Coding change: c.1669-11T>G on transcript NM_004736.4 (MANE Select); 11 bases into the intron before coding-DNA position 1669, T replaced by G.
Molecular consequence: intron variant.
Genome position (GRCh38, 1-based): chr1:180,873,792, T>G. VCF-style: chr1-180873792-T-G. GRCh37 (hg19) VCF-style: chr1-180842928-T-G.
Other names: c.1474-11T>G (NM_001135669.2).
Identifiers: ClinVar variation 2099651 (VCV002099651.4), dbSNP rs2526042241, ClinGen allele CA2580061540.

ClinVar aggregate classification (germline): Uncertain significance (1 of 4 stars; one submission).

Submission:

Labcorp Genetics (formerly Invitae), Labcorp
Classification: Uncertain significance. Last evaluated: 2022-02-28. Review status: criteria provided, single submitter. Criteria: Invitae Variant Classification Sherloc (09022015). Collection method: clinical testing. Allele origin: germline.
Comment: In summary, the available evidence is currently insufficient to determine the role of this variant in disease. Therefore, it has been classified as a Variant of Uncertain Significance. Algorithms developed to predict the effect of sequence changes on RNA splicing suggest that this variant may disrupt the consensus splice site. This variant has not been reported in the literature in individuals affected with XPR1-related conditions. This variant is not present in population databases (gnomAD no frequency). This sequence change falls in intron 12 of the XPR1 gene. It does not directly change the encoded amino acid sequence of the XPR1 protein.